The following is an entry in ClinVar:

ClinVar aggregate classification (germline): Likely benign. Review status: criteria provided, multiple submitters, no conflicts (2 of 4 stars). 3 submissions from 3 submitters: Likely benign (3). Last evaluated 2024-05-06.

Conditions:
Pyruvate carboxylase deficiency. Also called: ATAXIA WITH LACTIC ACIDOSIS II; LEIGH NECROTIZING ENCEPHALOPATHY DUE TO PYRUVATE CARBOXYLASE DEFICIENCY; LEIGH SYNDROME DUE TO PYRUVATE CARBOXYLASE DEFICIENCY; PC DEFICIENCY; Pyruvate Carboxylase Deficiency Disease. Identifiers: Orphanet 3008, MedGen C0034341, MONDO:0009949, OMIM 266150.

Allele frequency attached by ClinVar (database versions not stated): gnomAD exomes 0.00001 and 0.00002; TOPMed 0.00001; ExAC 0.00002; gnomAD 0.00001 and 0.00002; 1000 Genomes Project 30x 0.00016; 1000 Genomes Project 0.00020.
gnomAD v4.1: 35 of 1,609,214 alleles (0.0022%); highest among the groups gnomAD compares: African/African-American, 0.0027%; no homozygotes.

Submissions (3):

Labcorp Genetics (formerly Invitae), Labcorp
Classification: Likely benign for Pyruvate carboxylase deficiency. Last evaluated: 2024-05-06. Review status: criteria provided, single submitter. Criteria: Invitae Variant Classification Sherloc (09022015). Collection method: clinical testing. Allele origin: germline.

GeneDx
Classification: Likely benign. Last evaluated: 2017-12-21. Review status: criteria provided, single submitter. Criteria: GeneDx Variant Classification (06012015). Collection method: clinical testing. Allele origin: germline. Affected: yes.
Comment: This variant is considered likely benign or benign based on one or more of the following criteria: it is a conservative change, it occurs at a poorly conserved position in the protein, it is predicted to be benign by multiple in silico algorithms, and/or has population frequency not consistent with disease.

Breakthrough Genomics
Classification: Likely benign. Review status: criteria provided, single submitter. Criteria: ACMG Guidelines, 2015. Collection method: not provided. Allele origin: germline. Inheritance: Autosomal recessive inheritance. Affected: yes.

NM_001040716.2(PC):c.1173C>T (p.Thr391=)

Gene: PC (pyruvate carboxylase; minus strand). Cytogenetic location: 11q13.2.
Variant type: single nucleotide variant.
Coding change: c.1173C>T on transcript NM_001040716.2 (MANE Select); coding-DNA position 1173, C replaced by T.
Protein change: p.Thr391=; no amino-acid change (threonine 391 retained).
Molecular consequence: synonymous variant.
Genome position (GRCh38, 1-based): chr11:66,866,199, G>A on the plus strand (C>T on the coding strand, the complement: PC is on the minus strand). VCF-style: chr11-66866199-G-A. GRCh37 (hg19) VCF-style: chr11-66633670-G-A.
Other names: c.1173C>T, p.Thr391= (NM_000920.4, NM_022172.3).
Identifiers: ClinVar variation 513955 (VCV000513955.9), dbSNP rs202135326, ClinGen allele CA6131973.